The following is an entry in ClinVar:

ClinVar aggregate classification (germline): Conflicting classifications of pathogenicity. Review status: criteria provided, conflicting classifications (1 of 4 stars). 2 submissions from 2 submitters: Uncertain significance (1); Likely benign (1). Last evaluated 2024-11-18.

Conditions:
Inborn genetic diseases. Identifiers: MedGen C0950123, MeSH D030342.

Allele frequency attached by ClinVar (database versions not stated): TOPMed 0.00002; gnomAD 0.00003.
gnomAD v4.1: 41 of 1,613,976 alleles (0.0025%); highest among the groups gnomAD compares: Middle Eastern, 0.066%; no homozygotes.

Submissions (2):

Ambry Genetics
Classification: Likely benign for Inborn genetic diseases. Last evaluated: 2024-11-18. Review status: criteria provided, single submitter. Criteria: Ambry Variant Classification Scheme 2023. Collection method: clinical testing. Allele origin: germline.

Labcorp Genetics (formerly Invitae), Labcorp
Classification: Uncertain significance. Last evaluated: 2023-09-14. Review status: criteria provided, single submitter. Criteria: Invitae Variant Classification Sherloc (09022015). Collection method: clinical testing. Allele origin: germline.
Comment: In summary, the available evidence is currently insufficient to determine the role of this variant in disease. Therefore, it has been classified as a Variant of Uncertain Significance. An algorithm developed to predict the effect of missense changes on protein structure and function (PolyPhen-2) suggests that this variant is likely to be disruptive. ClinVar contains an entry for this variant (Variation ID: 2381081). This variant has not been reported in the literature in individuals affected with ASXL1-related conditions. This variant is present in population databases (rs752824843, gnomAD 0.004%). This sequence change replaces serine, which is neutral and polar, with asparagine, which is neutral and polar, at codon 554 of the ASXL1 protein (p.Ser554Asn).

NM_015338.6(ASXL1):c.1661G>A (p.Ser554Asn)

Gene: ASXL1 (ASXL transcriptional regulator 1; plus strand). Cytogenetic location: 20q11.21.
Variant type: single nucleotide variant.
Coding change: c.1661G>A on transcript NM_015338.6 (MANE Select); coding-DNA position 1661, G replaced by A.
Protein change: p.Ser554Asn; replaces serine 554 with asparagine.
Molecular consequence: missense variant.
Genome position (GRCh38, 1-based): chr20:32,433,859, G>A. VCF-style: chr20-32433859-G-A. GRCh37 (hg19) VCF-style: chr20-31021662-G-A.
Other names: c.1478G>A, p.Ser493Asn (NM_001363734.1); short protein forms S554N, S493N.
Identifiers: ClinVar variation 2381081 (VCV002381081.6), dbSNP rs752824843, ClinGen allele CA9808404.